The following is an entry in ClinVar:

NM_001369.3(DNAH5):c.8805G>A (p.Met2935Ile)

Gene: DNAH5 (dynein axonemal heavy chain 5; minus strand). Cytogenetic location: 5p15.2.
Variant type: single nucleotide variant.
Coding change: c.8805G>A on transcript NM_001369.3 (MANE Select); coding-DNA position 8805, G replaced by A.
Protein change: p.Met2935Ile; replaces methionine 2935 with isoleucine.
Molecular consequence: missense variant.
Genome position (GRCh38, 1-based): chr5:13,786,194, C>T on the plus strand (G>A on the coding strand, the complement: DNAH5 is on the minus strand). VCF-style: chr5-13786194-C-T. GRCh37 (hg19) VCF-style: chr5-13786303-C-T.
Other names: short protein forms M2935I.
Identifiers: ClinVar variation 2161182 (VCV002161182.4), dbSNP rs77874614, ClinGen allele CA359214830.
Genomic context (GRCh38, chr5:13,786,194, plus strand): 5'-ATGTCTGTCACCTCCACAAGGCACTACTCAGAGTGGCTACTGTACCTTGACTAAGTGAAC[C>T]ATGGCATCTGCAAAGAACACCATGTCCATGCCGGCGCCACGGATGCTCTCATTATAGAGC-3'
Protein context (NP_001360.1, residues 2925-2945): GMDMVFFADA[Met2935Ile]VHLVKISRVI

ClinVar aggregate classification (germline): Uncertain significance (1 of 4 stars; one submission).

Conditions:
Primary ciliary dyskinesia. Also called: Ciliary dyskinesia. Identifiers: Orphanet 244, MedGen C0008780, MONDO:0016575, HP:0012265.

gnomAD v4.1: 1 of 1,613,922 alleles (0.000062%); no homozygotes.

Submission:

Labcorp Genetics (formerly Invitae), Labcorp
Classification: Uncertain significance for Primary ciliary dyskinesia. Last evaluated: 2024-12-02. Review status: criteria provided, single submitter. Criteria: Invitae Variant Classification Sherloc (09022015). Collection method: clinical testing. Allele origin: germline.
Comment: This sequence change replaces methionine, which is neutral and non-polar, with isoleucine, which is neutral and non-polar, at codon 2935 of the DNAH5 protein (p.Met2935Ile). This variant is not present in population databases (gnomAD no frequency). This variant has not been reported in the literature in individuals affected with DNAH5-related conditions. ClinVar contains an entry for this variant (Variation ID: 2161182). Invitae Evidence Modeling of protein sequence and biophysical properties (such as structural, functional, and spatial information, amino acid conservation, physicochemical variation, residue mobility, and thermodynamic stability) indicates that this missense variant is not expected to disrupt DNAH5 protein function with a negative predictive value of 95%. In summary, the available evidence is currently insufficient to determine the role of this variant in disease. Therefore, it has been classified as a Variant of Uncertain Significance.